The following is an entry in ClinVar:

ClinVar aggregate classification (germline): Uncertain significance (1 of 4 stars; one submission).

Conditions:
Charcot-Marie-Tooth disease axonal type 2L. Also called: CHARCOT-MARIE-TOOTH DISEASE, AXONAL, AUTOSOMAL DOMINANT, TYPE 2L; CHARCOT-MARIE-TOOTH NEUROPATHY, AXONAL, TYPE 2L; Charcot-Marie-Tooth Neuropathy Type 2L. Identifiers: Orphanet 99945, MedGen C1837552, MONDO:0012096, OMIM 608673.

Submission:

Labcorp Genetics (formerly Invitae), Labcorp
Classification: Uncertain significance for Charcot-Marie-Tooth disease axonal type 2L. Last evaluated: 2022-03-24. Review status: criteria provided, single submitter. Criteria: Invitae Variant Classification Sherloc (09022015). Collection method: clinical testing. Allele origin: germline.
Comment: This variant is a gross deletion of the genomic region encompassing exon(s) 2 of the HSPB8 gene. While this deletion is not anticipated to lead to nonsense mediated decay, it is expected to disrupt the C-terminus of the protein. This variant has not been reported in the literature in individuals affected with HSPB8-related conditions. In summary, the available evidence is currently insufficient to determine the role of this variant in disease. Therefore, it has been classified as a Variant of Uncertain Significance.

NC_000012.11:g.(?_119624810)_(119624913_?)del

Gene: HSPB8 (heat shock protein family B (small) member 8; plus strand). Cytogenetic location: 12q24.23.
Variant type: Deletion.
Identifiers: ClinVar variation 2425948 (VCV002425948.4).